The following is an entry in ClinVar:

NM_014946.4(SPAST):c.1414-2A>T

Gene: SPAST (spastin; plus strand). Cytogenetic location: 2p22.3.
Variant type: single nucleotide variant.
Coding change: c.1414-2A>T on transcript NM_014946.4 (MANE Select); the canonical splice acceptor site of the intron before coding-DNA position 1414, A replaced by T.
Molecular consequence: splice acceptor variant.
Genome position (GRCh38, 1-based): chr2:32,137,107, A>T. VCF-style: chr2-32137107-A-T. GRCh37 (hg19) VCF-style: chr2-32362176-A-T.
Other names: c.1318-2A>T (NM_199436.2, NM_001377959.1); c.1411-2A>T (NM_001363823.2); c.1315-2A>T (NM_001363875.2).
Identifiers: ClinVar variation 1177434 (VCV001177434.5), dbSNP rs1553318304, ClinGen allele CA346502375.
Genomic context (GRCh38, chr2:32,137,107, plus strand): 5'-AAATATCTTTATATTTGTTATTACTTTTCTAAATGAATTGAAAAAAGATTTTTTGCTTGT[A>T]GGTACAGTCTGCTGGAGATGACAGAGTACTTGTAATGGGTGCAACTAATAGGCCACAAGA-3'

ClinVar aggregate classification (germline): Pathogenic/Likely pathogenic. Review status: criteria provided, multiple submitters, no conflicts (2 of 4 stars). 3 submissions from 3 submitters: Pathogenic (1); Likely pathogenic (1). 1 of the submissions does not count toward it. Last evaluated 2026-04-27.

Conditions:
Hereditary spastic paraplegia. Also called: Familial spastic paraparesis. Identifiers: Orphanet 685, MedGen C0037773, MONDO:0019064. Disease mechanism: loss of function.
Hereditary spastic paraplegia 4. Also called: Spastic paraplegia 4, autosomal dominant; Spastic Paraplegia 4; Familial spastic paraplegia autosomal dominant 2. Identifiers: Orphanet 100985, MedGen C1866855, MONDO:0008438, OMIM 182601.

Submissions (3):

Institute of Medical Genetics and Applied Genomics, University Hospital Tübingen
Classification: Likely pathogenic for Hereditary spastic paraplegia. Last evaluated: 2026-04-27. Review status: criteria provided, single submitter. Criteria: ACMG Guidelines, 2015. Collection method: clinical testing. Allele origin: germline. Inheritance: Autosomal dominant inheritance. Affected: yes.

Labcorp Genetics (formerly Invitae), Labcorp
Classification: Pathogenic for Hereditary spastic paraplegia 4. Last evaluated: 2024-10-10. Review status: criteria provided, single submitter. Criteria: Invitae Variant Classification Sherloc (09022015). Collection method: clinical testing. Allele origin: germline.
Comment: This sequence change affects an acceptor splice site in intron 11 of the SPAST gene. RNA analysis indicates that disruption of this splice site induces altered splicing and may result in an absent or altered protein product. This variant is not present in population databases (gnomAD no frequency). Disruption of this splice site has been observed in individuals with hereditary spastic paraplegia (PMID: 11843700, 20932283). ClinVar contains an entry for this variant (Variation ID: 1177434). Studies have shown that disruption of this splice site results in skipping of exon 12, and produces a non-functional protein and/or introduces a premature termination codon (PMID: 20932283). For these reasons, this variant has been classified as Pathogenic.

Istituto Neurologico Mediterraneo, Istituto di Ricovero e Cura a Carattere Scientifico
Classification: Pathogenic for Hereditary spastic paraplegia 4. Review status: no assertion criteria provided. Collection method: clinical testing. Allele origin: somatic. Inheritance: Autosomal dominant inheritance. Affected: yes. Observed: 1 variant allele, 1 heterozygote. Not counted in ClinVar's aggregate classification.

Literature cited by the submitters: PubMed 11843700 (cited by Labcorp Genetics (formerly Invitae), Labcorp); PubMed 20932283 (cited by Labcorp Genetics (formerly Invitae), Labcorp).